The following is an entry in ClinVar:

ClinVar aggregate classification (germline): Conflicting classifications of pathogenicity. Review status: criteria provided, conflicting classifications (1 of 4 stars). 3 submissions from 3 submitters: Uncertain significance (1); Likely benign (1). 1 of the submissions does not count toward it. Last evaluated 2025-12-17.

Conditions:
Dystrophin deficiency.
Cardiomyopathy (CMYO). Also called: Cardiomyopathies. Identifiers: Orphanet 167848, MedGen C0878544, MONDO:0004994, HP:0001638. Inheritance: Various modes of inheritance.
Becker muscular dystrophy (BMD). Also called: Becker Muscular Dystrophy (BMD); MUSCULAR DYSTROPHY, PSEUDOHYPERTROPHIC PROGRESSIVE, BECKER TYPE. Identifiers: Orphanet 98895, MedGen C0917713, MONDO:0010311, OMIM 300376.
Duchenne muscular dystrophy (DMD). Also called: Duchenne Muscular Dystrophy (DMD); MUSCULAR DYSTROPHY, PSEUDOHYPERTROPHIC PROGRESSIVE, DUCHENNE TYPE. Identifiers: Orphanet 98896, MedGen C0013264, MONDO:0010679, OMIM 310200.
Cardiovascular phenotype. Identifiers: MedGen CN230736.

Allele frequency attached by ClinVar (database versions not stated): TOPMed 0.00002.
gnomAD v4.1: 7 of 1,208,015 alleles (0.00058%); highest among the groups gnomAD compares: African/African-American, 0.012%; no homozygotes.

Submissions (3):

Labcorp Genetics (formerly Invitae), Labcorp
Classification: Likely benign for Duchenne muscular dystrophy. Last evaluated: 2025-12-17. Review status: criteria provided, single submitter. Criteria: Invitae Variant Classification Sherloc (09022015). Collection method: clinical testing. Allele origin: germline.

Ambry Genetics
Classification: Uncertain significance for Cardiovascular phenotype. Last evaluated: 2022-03-24. Review status: criteria provided, single submitter. Criteria: Ambry Variant Classification Scheme 2023. Collection method: clinical testing. Allele origin: germline.
Comment: The p.D2484H variant (also known as c.7450G>C), located in coding exon 51 of the DMD gene, results from a G to C substitution at nucleotide position 7450. The aspartic acid at codon 2484 is replaced by histidine, an amino acid with similar properties. Based on data from gnomAD, the C allele has an overall frequency of 0.0005% (1/183251) total alleles studied, with 1 hemizygote observed. The highest observed frequency was 0.0075% (1/13159) of African/African American alleles. This amino acid position is not well conserved in available vertebrate species. In addition, this alteration is predicted to be tolerated by in silico analysis. Since supporting evidence is limited at this time, the clinical significance of this alteration remains unclear.

Natera, Inc.
Classification: Uncertain significance for Becker muscular dystrophy; Cardiomyopathy; Duchenne muscular dystrophy; Dystrophin deficiency. Last evaluated: 2018-06-22. Review status: no assertion criteria provided. Collection method: clinical testing. Allele origin: germline. Not counted in ClinVar's aggregate classification.

NM_004006.3(DMD):c.7450G>C (p.Asp2484His)

Gene: DMD (dystrophin; minus strand). Cytogenetic location: Xp21.1.
Variant type: single nucleotide variant.
Coding change: c.7450G>C on transcript NM_004006.3 (MANE Select); coding-DNA position 7450, G replaced by C.
Protein change: p.Asp2484His; replaces aspartic acid 2484 with histidine.
Molecular consequence: missense variant.
Genome position (GRCh38, 1-based): chrX:31,774,052, C>G on the plus strand (G>C on the coding strand, the complement: DMD is on the minus strand). VCF-style: chrX-31774052-C-G. GRCh37 (hg19) VCF-style: chrX-31792169-C-G.
Other names: c.7426G>C, p.Asp2476His (NM_000109.4); c.7438G>C, p.Asp2480His (NM_004009.3); c.7081G>C, p.Asp2361His (NM_004010.3); c.3427G>C, p.Asp1143His (NM_004011.4); c.3418G>C, p.Asp1140His (NM_004012.4); c.70G>C, p.Asp24His (NM_004013.3, NM_004020.4, NM_004021.3 and 2 more transcripts); short protein forms D2484H, D1140H, D1143H, D2361H, D2480H, D24H, D2476H.
Identifiers: ClinVar variation 526105 (VCV000526105.10), dbSNP rs773102625, ClinGen allele CA10378274.